The following is an entry in ClinVar:

ClinVar aggregate classification (germline): Conflicting classifications of pathogenicity. Review status: criteria provided, conflicting classifications (1 of 4 stars). 3 submissions from 3 submitters: Uncertain significance (2); Benign (1). Last evaluated 2025-11-11.

Conditions:
Hereditary cancer-predisposing syndrome. Also called: Tumor predisposition; Hereditary Cancer Syndrome; Neoplastic Syndromes, Hereditary; Hereditary neoplastic syndrome. Identifiers: Orphanet 140162, MedGen C0027672, MeSH D009386, MONDO:0015356.
Gorlin syndrome. Also called: Basal cell nevus syndrome; Nevoid Basal Cell Carcinoma Syndrome. Identifiers: Orphanet 377, MedGen C0004779, MONDO:0007187.

Allele frequency attached by ClinVar (database versions not stated): TOPMed 0.00001.
gnomAD v4.1: 7 of 1,614,038 alleles (0.00043%); highest among the groups gnomAD compares: Admixed American, 0.0067%; no homozygotes.

Submissions (3):

Ambry Genetics
Classification: Uncertain significance for Hereditary cancer-predisposing syndrome. Last evaluated: 2025-11-11. Review status: criteria provided, single submitter. Criteria: Ambry Variant Classification Scheme 2023. Collection method: clinical testing. Allele origin: germline.
Comment: The p.I491M variant (also known as c.1473C>G), located in coding exon 10 of the PTCH1 gene, results from a C to G substitution at nucleotide position 1473. The isoleucine at codon 491 is replaced by methionine, an amino acid with highly similar properties. This amino acid position is not well conserved in available vertebrate species. In addition, the in silico prediction for this alteration is inconclusive. Since supporting evidence is limited at this time, the clinical significance of this alteration remains unclear.

Mayo Clinic Laboratories, Mayo Clinic
Classification: Uncertain significance. Last evaluated: 2025-09-24. Review status: criteria provided, single submitter. Criteria: ACMG Guidelines, 2015. Collection method: clinical testing. Allele origin: germline. Observed: 1 variant allele.
Comment: PM2_supporting

Labcorp Genetics (formerly Invitae), Labcorp
Classification: Benign for Gorlin syndrome. Last evaluated: 2025-07-14. Review status: criteria provided, single submitter. Criteria: Invitae Variant Classification Sherloc (09022015). Collection method: clinical testing. Allele origin: germline.

NM_000264.5(PTCH1):c.1473C>G (p.Ile491Met)

Gene: PTCH1 (patched 1; minus strand). Cytogenetic location: 9q22.32.
Variant type: single nucleotide variant.
Coding change: c.1473C>G on transcript NM_000264.5 (MANE Select); coding-DNA position 1473, C replaced by G.
Protein change: p.Ile491Met; replaces isoleucine 491 with methionine.
Molecular consequence: missense variant. On other transcripts: non-coding transcript variant (1), intron variant (1).
Genome position (GRCh38, 1-based): chr9:95,477,577, G>C on the plus strand (C>G on the coding strand, the complement: PTCH1 is on the minus strand). VCF-style: chr9-95477577-G-C. GRCh37 (hg19) VCF-style: chr9-98239859-G-C.
Other names: p.Ile491Met; c.1275C>G, p.Ile425Met (NM_001083602.3); c.1470C>G, p.Ile490Met (NM_001083603.3); c.1020C>G, p.Ile340Met (NM_001083604.3, NM_001083605.3, NM_001083606.3 and 1 more transcripts); c.1347+478C>G (NM_001354918.2); short protein forms I425M, I491M, I340M, I490M.
Identifiers: ClinVar variation 453788 (VCV000453788.15), dbSNP rs768183391, ClinGen allele CA5138651.
Genomic context (GRCh38, chr9:95,477,577, plus strand): 5'-CGGACAGCAGATAAATGGCTCCTTTAGTACCTGAGTTGTTGCAGCGTTAAAGGAAATTCC[G>C]ATCAATGAGCACAGGCCCAGTCCTGCAGCCACTGACAGTGCAACCAGCAGGACGCCAGCC-3'
Protein context (NP_000255.2, residues 481-501): VAAGLGLCSL[Ile491Met]GISFNAATTQ